The following is an entry in ClinVar:

ClinVar aggregate classification (germline): Uncertain significance (1 of 4 stars; one submission).

Conditions:
Dilated cardiomyopathy 1W (CMD1W). Identifiers: Orphanet 154, MedGen C1969639, MONDO:0012667, OMIM 611407.

Submission:

Labcorp Genetics (formerly Invitae), Labcorp
Classification: Uncertain significance for Dilated cardiomyopathy 1W. Last evaluated: 2023-05-27. Review status: criteria provided, single submitter. Criteria: Invitae Variant Classification Sherloc (09022015). Collection method: clinical testing. Allele origin: germline.
Comment: This sequence change replaces glutamine, which is neutral and polar, with histidine, which is basic and polar, at codon 568 of the VCL protein (p.Gln568His). This variant is not present in population databases (gnomAD no frequency). This variant has not been reported in the literature in individuals affected with VCL-related conditions. An algorithm developed to predict the effect of missense changes on protein structure and function (PolyPhen-2) suggests that this variant is likely to be tolerated. In summary, the available evidence is currently insufficient to determine the role of this variant in disease. Therefore, it has been classified as a Variant of Uncertain Significance.

NM_014000.3(VCL):c.1704G>C (p.Gln568His)

Gene: VCL (vinculin; plus strand). Cytogenetic location: 10q22.2.
Variant type: single nucleotide variant.
Coding change: c.1704G>C on transcript NM_014000.3 (MANE Select); coding-DNA position 1704, G replaced by C.
Protein change: p.Gln568His; replaces glutamine 568 with histidine.
Molecular consequence: missense variant.
Genome position (GRCh38, 1-based): chr10:74,095,816, G>C. VCF-style: chr10-74095816-G-C. GRCh37 (hg19) VCF-style: chr10-75855574-G-C.
Other names: c.1704G>C, p.Gln568His (NM_003373.4); short protein forms Q568H.
Identifiers: ClinVar variation 2734403 (VCV002734403.3), dbSNP rs1839959715, ClinGen allele CA377275149.